The following is an entry in ClinVar:

NM_001386298.1(CIC):c.6824G>A (p.Arg2275Gln)

Gene: CIC (capicua transcriptional repressor; plus strand). Cytogenetic location: 19q13.2.
Variant type: single nucleotide variant.
Coding change: c.6824G>A on transcript NM_001386298.1 (MANE Select); coding-DNA position 6824, G replaced by A.
Protein change: p.Arg2275Gln; replaces arginine 2275 with glutamine.
Molecular consequence: missense variant.
Genome position (GRCh38, 1-based): chr19:42,293,991, G>A. VCF-style: chr19-42293991-G-A. GRCh37 (hg19) VCF-style: chr19-42798143-G-A.
Other names: c.6824G>A, p.Arg2275Gln (NM_001304815.2); c.6821G>A, p.Arg2274Gln (NM_001379480.1, NM_001379482.1); c.4097G>A, p.Arg1366Gln (NM_001379484.1, NM_015125.5); c.4094G>A, p.Arg1365Gln (NM_001379485.1); short protein forms R1365Q, R1366Q, R2274Q, R2275Q.
Identifiers: ClinVar variation 3768027 (VCV003768027.1).

ClinVar aggregate classification (germline): Uncertain significance (1 of 4 stars; one submission).

gnomAD v4.1: 1 of 1,613,566 alleles (0.000062%); highest among the groups gnomAD compares: East Asian, 0.0022%; no homozygotes.

Submission:

Women's Health and Genetics/Laboratory Corporation of America, LabCorp
Classification: Uncertain significance. Last evaluated: 2024-12-30. Review status: criteria provided, single submitter. Criteria: LabCorp Variant Classification Summary - May 2015. Collection method: clinical testing. Allele origin: germline.
Comment: Variant summary: CIC c.4097G>A (p.Arg1366Gln) results in a conservative amino acid change in the encoded protein sequence. Four of five in-silico tools predict a benign effect of the variant on protein function. The variant was absent in 251096 control chromosomes. The available data on variant occurrences in the general population are insufficient to allow any conclusion about variant significance. To our knowledge, no occurrence of c.4097G>A in individuals affected with Mental Retardation, Autosomal Dominant 45 and no experimental evidence demonstrating its impact on protein function have been reported. No submitters have cited clinical-significance assessments for this variant to ClinVar. Based on the evidence outlined above, the variant was classified as uncertain significance.